The following is an entry in ClinVar:

ClinVar aggregate classification (germline): Conflicting classifications of pathogenicity. Review status: criteria provided, conflicting classifications (1 of 4 stars). 2 submissions from 2 submitters: Uncertain significance (1); Likely benign (1). Last evaluated 2025-11-01.

Conditions:
Early Myoclonic Encephalopathy. Identifiers: MedGen C0270855.

Allele frequency attached by ClinVar (database versions not stated): TOPMed 0.00002; ESP Exome Variant Server 0.00008; 1000 Genomes Project 0.00020; 1000 Genomes Project 30x 0.00031; gnomAD 0.00001; gnomAD exomes 0.00001 and 0.00002; ExAC 0.00002.
gnomAD v4.1: 18 of 1,614,182 alleles (0.0011%); highest among the groups gnomAD compares: Non-Finnish European, 0.0014%; no homozygotes.

Submissions (2):

CeGaT Center for Human Genetics Tuebingen
Classification: Likely benign. Last evaluated: 2025-11-01. Review status: criteria provided, single submitter. Criteria: CeGaT Center For Human Genetics Tuebingen Variant Classification Criteria Version 2. Collection method: clinical testing. Allele origin: germline. Affected: yes. Observed: 1 variant allele.
Comment: JMJD1C: BS2

Labcorp Genetics (formerly Invitae), Labcorp
Classification: Uncertain significance for Early Myoclonic Encephalopathy. Last evaluated: 2022-08-09. Review status: criteria provided, single submitter. Criteria: Invitae Variant Classification Sherloc (09022015). Collection method: clinical testing. Allele origin: germline.
Comment: In summary, the available evidence is currently insufficient to determine the role of this variant in disease. Therefore, it has been classified as a Variant of Uncertain Significance. Algorithms developed to predict the effect of missense changes on protein structure and function are either unavailable or do not agree on the potential impact of this missense change (SIFT: "Tolerated"; PolyPhen-2: "Possibly Damaging"; Align-GVGD: "Class C0"). ClinVar contains an entry for this variant (Variation ID: 1051055). This variant has not been reported in the literature in individuals affected with JMJD1C-related conditions. This variant is present in population databases (rs201896088, gnomAD 0.004%). This sequence change replaces glycine, which is neutral and non-polar, with serine, which is neutral and polar, at codon 2063 of the JMJD1C protein (p.Gly2063Ser).

NM_032776.3(JMJD1C):c.6187G>A (p.Gly2063Ser)

Gene: JMJD1C (jumonji domain containing 1C; minus strand). Cytogenetic location: 10q21.3.
Variant type: single nucleotide variant.
Coding change: c.6187G>A on transcript NM_032776.3 (MANE Select); coding-DNA position 6187, G replaced by A.
Protein change: p.Gly2063Ser; replaces glycine 2063 with serine.
Molecular consequence: missense variant. On other transcripts: non-coding transcript variant (1).
Genome position (GRCh38, 1-based): chr10:63,190,998, C>T on the plus strand (G>A on the coding strand, the complement: JMJD1C is on the minus strand). VCF-style: chr10-63190998-C-T. GRCh37 (hg19) VCF-style: chr10-64950758-C-T.
Other names: c.5641G>A, p.Gly1881Ser (NM_001282948.2, NM_001318154.2); c.5323G>A, p.Gly1775Ser (NM_001318153.2); c.6073G>A, p.Gly2025Ser (NM_001322252.2); c.5530G>A, p.Gly1844Ser (NM_001322254.2, NM_001322258.2); short protein forms G1775S, G1844S, G1881S, G2025S, G2063S.
Identifiers: ClinVar variation 1051055 (VCV001051055.15), dbSNP rs201896088, ClinGen allele CA5517922.